The following is an entry in ClinVar:

ClinVar aggregate classification (germline): Likely pathogenic (1 of 4 stars; one submission).

Conditions:
Gaucher disease. Also called: Acute cerebral Gaucher disease; Cerebroside lipidosis syndrome; Gaucher splenomegaly; Sphingolipidosis 1; Glucocerebrosidosis; Glucosylceramidase deficiency. Identifiers: Orphanet 355, MedGen C0017205, MONDO:0018150.

Submission:

Natera, Inc.
Classification: Likely pathogenic for Gaucher disease. Last evaluated: 2024-12-11. Review status: criteria provided, single submitter. Criteria: Natera Variant Classification Schema (03/2026). Collection method: clinical testing. Allele origin: germline.
Comment: The c.1135G>C variant in GBA1 is a missense variant predicted to cause substitution of glutamic acid to glutamine at amino acid 379. This variant is rare in the general population with a frequency below the threshold expected for the associated phenotype(s). This variant has been observed in one or more individuals affected with the associated recessive disease, as either homozygous or compound heterozygous with a second variant (PMID: 21883686). Additionally, this variant has been observed to segregate in affected family members (PMID: 21883686). Functional studies show that this variant may disrupt protein function (PMID: 25344605). Computational prediction algorithms indicate this variant is likely to affect gene or protein function. Given the available evidence, this variant is classified as Likely Pathogenic.

Literature cited by the submitters: PubMed 21883686; PubMed 25344605.

NM_000157.4(GBA1):c.1135G>C (p.Glu379Gln)

Genes: GBA1 (glucosylceramidase beta 1; minus strand), LOC106627981 (GBA recombination region; plus strand). Cytogenetic location: 1q22.
Variant type: single nucleotide variant.
Coding change: c.1135G>C on transcript NM_000157.4 (MANE Select); coding-DNA position 1135, G replaced by C.
Protein change: p.Glu379Gln; replaces glutamic acid 379 with glutamine.
Molecular consequence: missense variant.
Genome position (GRCh38, 1-based): chr1:155,236,334, C>G on the plus strand (G>C on the coding strand, the complement: GBA1 is on the minus strand). VCF-style: chr1-155236334-C-G. GRCh37 (hg19) VCF-style: chr1-155206125-C-G.
Other names: c.1135G>C, p.Glu379Gln (NM_001005741.3, NM_001005742.3); c.874G>C, p.Glu292Gln (NM_001171811.2); c.988G>C, p.Glu330Gln (NM_001171812.2); short protein forms E292Q, E330Q, E379Q.
Identifiers: ClinVar variation 4817675 (VCV004817675.1).